The following is an entry in ClinVar:

ClinVar aggregate classification (germline): Uncertain significance (1 of 4 stars; one submission).

Conditions:
Hereditary cancer-predisposing syndrome. Also called: Neoplastic Syndromes, Hereditary; Tumor predisposition; Hereditary neoplastic syndrome; Hereditary Cancer Syndrome. Identifiers: Orphanet 140162, MedGen C0027672, MeSH D009386, MONDO:0015356.

Submission:

Ambry Genetics
Classification: Uncertain significance for Hereditary cancer-predisposing syndrome. Last evaluated: 2024-05-10. Review status: criteria provided, single submitter. Criteria: Ambry Variant Classification Scheme 2023. Collection method: clinical testing. Allele origin: germline.
Comment: The p.K119R variant (also known as c.356A>G), located in coding exon 2 of the TMEM127 gene, results from an A to G substitution at nucleotide position 356. The lysine at codon 119 is replaced by arginine, an amino acid with highly similar properties. This amino acid position is conserved. In addition, the in silico prediction for this alteration is inconclusive. Based on the available evidence, the clinical significance of this variant remains unclear.

NM_017849.4(TMEM127):c.356A>G (p.Lys119Arg)

Gene: TMEM127 (transmembrane protein 127; minus strand). Cytogenetic location: 2q11.2.
Variant type: single nucleotide variant.
Coding change: c.356A>G on transcript NM_017849.4 (MANE Select); coding-DNA position 356, A replaced by G.
Protein change: p.Lys119Arg; replaces lysine 119 with arginine.
Molecular consequence: missense variant.
Genome position (GRCh38, 1-based): chr2:96,254,886, T>C on the plus strand (A>G on the coding strand, the complement: TMEM127 is on the minus strand). VCF-style: chr2-96254886-T-C. GRCh37 (hg19) VCF-style: chr2-96920624-T-C.
Other names: c.356A>G, p.Lys119Arg (NM_001193304.3); c.104A>G, p.Lys35Arg (NM_001407282.1, NM_001407283.1); short protein forms K119R, K35R.
Identifiers: ClinVar variation 3326705 (VCV003326705.1).
Genomic context (GRCh38, chr2:96,254,886, plus strand): 5'-GGCTTACCCGTTAGGATATGGGCGAAGGCATAGCGACGAGTGATCTTCAGAGCAGGATGC[T>C]TCGGCCCAAAGACATCCAGAAGGAAAGCGGAGAGACTACACAGGATGCCCAGGAAACAGA-3'
Protein context (NP_060319.1, residues 109-129): SAFLLDVFGP[Lys119Arg]HPALKITRRY